The following is an entry in ClinVar:

NM_206933.4(USH2A):c.166G>A (p.Ala56Thr)

Gene: USH2A (usherin; minus strand). Cytogenetic location: 1q41.
Variant type: single nucleotide variant.
Coding change: c.166G>A on transcript NM_206933.4 (MANE Select); coding-DNA position 166, G replaced by A.
Protein change: p.Ala56Thr; replaces alanine 56 with threonine.
Molecular consequence: missense variant.
Genome position (GRCh38, 1-based): chr1:216,422,171, C>T on the plus strand (G>A on the coding strand, the complement: USH2A is on the minus strand). VCF-style: chr1-216422171-C-T. GRCh37 (hg19) VCF-style: chr1-216595513-C-T.
Other names: c.166G>A, p.Ala56Thr (NM_007123.6); short protein forms A56T.
Identifiers: ClinVar variation 1398308 (VCV001398308.8), dbSNP rs2102788940, ClinGen allele CA344904721.

ClinVar aggregate classification (germline): Uncertain significance (1 of 4 stars; one submission).

Allele frequency attached by ClinVar (database versions not stated): gnomAD exomes below 0.00001.
gnomAD v4.1: 2 of 1,613,522 alleles (0.00012%); highest among the groups gnomAD compares: African/African-American, 0.0013%; no homozygotes.

Submission:

Labcorp Genetics (formerly Invitae), Labcorp
Classification: Uncertain significance. Last evaluated: 2022-06-27. Review status: criteria provided, single submitter. Criteria: Invitae Variant Classification Sherloc (09022015). Collection method: clinical testing. Allele origin: germline.
Comment: This variant is not present in population databases (gnomAD no frequency). This sequence change replaces alanine, which is neutral and non-polar, with threonine, which is neutral and polar, at codon 56 of the USH2A protein (p.Ala56Thr). This variant has not been reported in the literature in individuals affected with USH2A-related conditions. In summary, the available evidence is currently insufficient to determine the role of this variant in disease. Therefore, it has been classified as a Variant of Uncertain Significance. Algorithms developed to predict the effect of missense changes on protein structure and function are either unavailable or do not agree on the potential impact of this missense change (SIFT: "Deleterious"; PolyPhen-2: "Probably Damaging"; Align-GVGD: "Class C0").